The following is an entry in ClinVar:

NM_001174150.2(ARL13B):c.1210+1G>T

Gene: ARL13B (ARF like GTPase 13B; plus strand). Cytogenetic location: 3q11.2.
Variant type: single nucleotide variant.
Coding change: c.1210+1G>T on transcript NM_001174150.2 (MANE Select); the canonical splice donor site of the intron after coding-DNA position 1210, G replaced by T.
Molecular consequence: splice donor variant. On other transcripts: intron variant (1).
Genome position (GRCh38, 1-based): chr3:94,050,893, G>T. VCF-style: chr3-94050893-G-T. GRCh37 (hg19) VCF-style: chr3-93769737-G-T.
Other names: c.1165+1G>T (NM_001321328.2); c.1210+1G>T (NM_182896.3); c.1141+1371G>T (NM_001410782.1); c.901+1G>T (NM_001174151.2); c.889+1G>T (NM_144996.4).
Identifiers: ClinVar variation 1063556 (VCV001063556.5), dbSNP rs1057414428, ClinGen allele CA78548751.

ClinVar aggregate classification (germline): Uncertain significance (1 of 4 stars; one submission).

Conditions:
Joubert syndrome 8 (JBTS8). Identifiers: Orphanet 475, MedGen C2676771, MONDO:0012855, OMIM 612291.

Allele frequency attached by ClinVar (database versions not stated): gnomAD exomes below 0.00001; TOPMed below 0.00001.
gnomAD v4.1: 14 of 1,612,610 alleles (0.00087%); highest among the groups gnomAD compares: Non-Finnish European, 0.0011%; no homozygotes.

Submission:

Labcorp Genetics (formerly Invitae), Labcorp
Classification: Uncertain significance for Joubert syndrome 8. Last evaluated: 2020-02-03. Review status: criteria provided, single submitter. Criteria: Invitae Variant Classification Sherloc (09022015). Collection method: clinical testing. Allele origin: germline.
Comment: This sequence change affects a donor splice site in the last intron (intron 9) of the ARL13B gene. While this is not anticipated to result in nonsense mediated decay, it likely alters RNA splicing and results in a disrupted protein product. This variant is not present in population databases (ExAC no frequency). This variant has not been reported in the literature in individuals with ARL13B-related conditions. Nucleotide substitutions within the consensus splice site are a relatively common cause of aberrant splicing (PMID: 17576681, 9536098). Algorithms developed to predict the effect of sequence changes on RNA splicing suggest that this variant may disrupt the consensus splice site, but this prediction has not been confirmed by published transcriptional studies. In summary, the available evidence is currently insufficient to determine the role of this variant in disease. Therefore, it has been classified as a Variant of Uncertain Significance.

Literature cited by the submitters: PubMed 17576681; PubMed 9536098.